The following is an entry in ClinVar:

ClinVar aggregate classification (germline): Likely pathogenic (3 of 4 stars; one submission).

Conditions:
Glanzmann thrombasthenia. Also called: Glanzmann's thrombasthenia; PLATELET GLYCOPROTEIN IIb-IIIa DEFICIENCY; BLEEDING DISORDER, PLATELET-TYPE, 2; THROMBASTHENIA OF GLANZMANN AND NAEGELI; Thrombasthenia. Identifiers: Orphanet 849, MedGen C0040015, MONDO:0100326.

Submission:

ClinGen Platelet Disorders Variant Curation Expert Panel, ClinGen
Classification: Likely pathogenic for Glanzmann thrombasthenia. Last evaluated: 2023-12-19. Review status: reviewed by expert panel. Criteria: ClinGen Platelet ACMG Specifications v2-1. Collection method: curation. Allele origin: germline. Inheritance: Autosomal recessive inheritance.
Comment: NM_000212.3(ITGB3):c.940G>T (p.Asp314Tyr) is a missense variant that has been reported in one patient (GT6) who presented with significant mucocutaneous bleeding, platelet aggregation was absent with three physiological agonists (normal with ristocetin) and flowcytometry demonstrated reduced (<5%) surface expression of αIIbβ3 (PMID: 25728920; PP4_strong). The variant in homozygous state in this individual (PM3_supporting). It is absent from all major population cohorts in gnomAD v2.1.1 (PM2_supporting). REVEL score (0.977) predicts this missense variant to have a deleterious effect on gene product (PP3). This variant meets GT specific criteria for PP4_strong , PP3, PM2_Supporting, and PM3_supporting and has therefore been classified as Likely Pathogenic for autosomal recessive Glanzmann thrombasthenia.

NM_000212.3(ITGB3):c.940G>T (p.Asp314Tyr)

Gene: ITGB3 (integrin subunit beta 3; plus strand). Cytogenetic location: 17q21.32.
Variant type: single nucleotide variant.
Coding change: c.940G>T on transcript NM_000212.3 (MANE Select); coding-DNA position 940, G replaced by T.
Protein change: p.Asp314Tyr; replaces aspartic acid 314 with tyrosine.
Molecular consequence: missense variant.
Genome position (GRCh38, 1-based): chr17:47,289,681, G>T. VCF-style: chr17-47289681-G-T. GRCh37 (hg19) VCF-style: chr17-45367047-G-T.
Other names: short protein forms D314Y.
Identifiers: ClinVar variation 996176 (VCV000996176.3), dbSNP rs2065117726, ClinGen allele CA400025612.